The following is an entry in ClinVar:

NM_020041.3(SLC2A9):c.374C>T (p.Thr125Met)

Genes: SLC2A9 (solute carrier family 2 member 9; minus strand), SLC2A9-AS1 (SLC2A9 antisense RNA 1; plus strand). Cytogenetic location: 4p16.1.
Variant type: single nucleotide variant.
Coding change: c.374C>T on transcript NM_020041.3 (MANE Select); coding-DNA position 374, C replaced by T.
Protein change: p.Thr125Met; replaces threonine 125 with methionine.
Molecular consequence: missense variant.
Genome position (GRCh38, 1-based): chr4:9,996,817, G>A on the plus strand (C>T on the coding strand, the complement: SLC2A9 is on the minus strand). VCF-style: chr4-9996817-G-A. GRCh37 (hg19) VCF-style: chr4-9998441-G-A.
Other names: c.287C>T, p.Thr96Met (NM_001001290.2); short protein forms T125M, T96M.
Identifiers: ClinVar variation 217421 (VCV000217421.5), dbSNP rs181509591, ClinGen allele CA210117.

ClinVar aggregate classification (germline): Pathogenic/Likely pathogenic. Review status: criteria provided, multiple submitters, no conflicts (2 of 4 stars). 4 submissions from 4 submitters: Pathogenic (1); Likely pathogenic (2). 1 of the submissions does not count toward it. Last evaluated 2026-06-03.

Conditions:
SLC2A9-related disorder. Also called: SLC2A9-related condition.
Hypouricemia, renal, 2. Also called: HYPOURICEMIA, RENAL, 2, AUTOSOMAL DOMINANT; HYPOURICEMIA, RENAL, 2, AUTOSOMAL RECESSIVE. Identifiers: MedGen C2677549, MONDO:0012793, OMIM 612076.

Allele frequency attached by ClinVar (database versions not stated): gnomAD 0.00006; TOPMed 0.00009; 1000 Genomes Project 30x 0.00078; 1000 Genomes Project 0.00080.
gnomAD v4.1: 81 of 1,614,034 alleles (0.005%); highest among the groups gnomAD compares: Admixed American, 0.078%; no homozygotes.

Submissions (4):

PreventionGenetics, part of Exact Sciences
Classification: Pathogenic for SLC2A9-related condition. Last evaluated: 2026-06-03. Review status: criteria provided, single submitter. Criteria: ACMG Guidelines, 2015. Collection method: clinical testing. Allele origin: germline.
Comment: The SLC2A9 c.374C>T variant is predicted to result in the amino acid substitution p.Thr125Met. This variant has been reported in the homozygous, compound heterozygous, and heterozygous states in individuals with renal hypouricemia (Dinour et al. 2011. PubMed ID: 21810765; Claverie-Martin et al. 2018. PubMed ID: 29486147; Peces et al. 2020. PubMed ID: 32166738; Perdomo-Ramirez et al. 2023. PubMed ID: 37176161). One heterozygous individual inherited this variant from their asymptomatic mother with low serum uric acid levels (Peces et al. 2020. PubMed ID: 32166738). Heterozygous individuals have also been noted to be asymptomatic (Claverie-Martin et al. 2018. PubMed ID: 29486147; Perdomo-Ramirez et al. 2023. PubMed ID: 37176161). This variant is located in the functional channel that transports uric acid (UA) between the cytoplasmic and extracellular regions; functional studies found that this variant drastically reduced that ability to transport UA (Dinour et al. 2011. PubMed ID: 21810765; Claverie-Martin et al. 2018. PubMed ID: 29486147; Ruiz et al. 2018. PubMed ID: 29967582). Haplotype analysis results confirmed that this variant is a founder mutation among Spanish patients (Perdomo-Ramirez et al. 2023. PubMed ID: 37176161). This variant is reported in 0.071% of alleles in individuals of Latino descent in gnomAD. At this time, this variant is interpreted as pathogenic for autosomal recessive renal hypouricemia, but remains uncertain for autosomal dominant disease due to the absence of conclusive functional and genetic evidence.

Labcorp Genetics (formerly Invitae), Labcorp
Classification: Likely pathogenic. Last evaluated: 2025-09-08. Review status: criteria provided, single submitter. Criteria: Invitae Variant Classification Sherloc (09022015). Collection method: clinical testing. Allele origin: germline.
Comment: This sequence change replaces threonine, which is neutral and polar, with methionine, which is neutral and non-polar, at codon 125 of the SLC2A9 protein (p.Thr125Met). This variant is present in population databases (rs181509591, gnomAD 0.07%). This missense change has been observed in individuals with autosomal recessive familial hypouricemia (PMID: 21810765, 29486147). ClinVar contains an entry for this variant (Variation ID: 217421). An algorithm developed to predict the effect of missense changes on protein structure and function (PolyPhen-2) suggests that this variant is likely to be disruptive. Experimental studies have shown that this missense change affects SLC2A9 function (PMID: 21810765, 29967582). In summary, the currently available evidence indicates that the variant is pathogenic, but additional data are needed to prove that conclusively. Therefore, this variant has been classified as Likely Pathogenic.

Fulgent Genetics
Classification: Likely pathogenic for Hypouricemia, renal, 2. Last evaluated: 2022-04-20. Review status: criteria provided, single submitter. Criteria: ACMG Guidelines, 2015. Collection method: clinical testing. Allele origin: unknown.

OMIM
Classification: Pathogenic for HYPOURICEMIA, RENAL, 2, AUTOSOMAL RECESSIVE. Last evaluated: 2012-03-01. Review status: no assertion criteria provided. Collection method: literature only. Allele origin: germline. Not counted in ClinVar's aggregate classification.

Literature cited by the submitters: PubMed 21810765 (cited by Labcorp Genetics (formerly Invitae), Labcorp and OMIM); PubMed 29486147 (cited by Labcorp Genetics (formerly Invitae), Labcorp); PubMed 29967582 (cited by Labcorp Genetics (formerly Invitae), Labcorp).